The following is an entry in ClinVar:

ClinVar aggregate classification (germline): Uncertain significance. Review status: criteria provided, multiple submitters, no conflicts (2 of 4 stars). 2 submissions from 2 submitters: Uncertain significance (2). Last evaluated 2025-10-14.

Conditions:
Inborn genetic diseases. Identifiers: MedGen C0950123, MeSH D030342.

Allele frequency attached by ClinVar (database versions not stated): gnomAD exomes below 0.00001 and 0.00001; gnomAD 0.00003 and 0.00002; TOPMed 0.00003; ExAC 0.00002.
gnomAD v4.1: 7 of 1,587,786 alleles (0.00044%); highest among the groups gnomAD compares: Middle Eastern, 0.017%; no homozygotes.

Submissions (2):

Ambry Genetics
Classification: Uncertain significance for Inborn genetic diseases. Last evaluated: 2025-10-14. Review status: criteria provided, single submitter. Criteria: Ambry Variant Classification Scheme 2023. Collection method: clinical testing. Allele origin: germline.

Labcorp Genetics (formerly Invitae), Labcorp
Classification: Uncertain significance. Last evaluated: 2021-09-01. Review status: criteria provided, single submitter. Criteria: Invitae Variant Classification Sherloc (09022015). Collection method: clinical testing. Allele origin: germline.
Comment: This sequence change replaces valine with leucine at codon 400 of the LAMB3 protein (p.Val400Leu). The valine residue is highly conserved and there is a small physicochemical difference between valine and leucine. This variant is present in population databases (rs550298199, ExAC 0.02%). This variant has not been reported in the literature in individuals affected with LAMB3-related conditions. Algorithms developed to predict the effect of missense changes on protein structure and function (SIFT, PolyPhen-2, Align-GVGD) all suggest that this variant is likely to be tolerated. In summary, the available evidence is currently insufficient to determine the role of this variant in disease. Therefore, it has been classified as a Variant of Uncertain Significance.

NM_000228.3(LAMB3):c.1198G>C (p.Val400Leu)

Gene: LAMB3 (laminin subunit beta 3; minus strand). Cytogenetic location: 1q32.2.
Variant type: single nucleotide variant.
Coding change: c.1198G>C on transcript NM_000228.3 (MANE Select); coding-DNA position 1198, G replaced by C.
Protein change: p.Val400Leu; replaces valine 400 with leucine.
Molecular consequence: missense variant.
Genome position (GRCh38, 1-based): chr1:209,628,125, C>G on the plus strand (G>C on the coding strand, the complement: LAMB3 is on the minus strand). VCF-style: chr1-209628125-C-G. GRCh37 (hg19) VCF-style: chr1-209801470-C-G.
Other names: c.1198G>C, p.Val400Leu (NM_001017402.2, NM_001127641.1); c.1198G>C (NM_000228.2); short protein forms V400L.
Identifiers: ClinVar variation 1020623 (VCV001020623.7), dbSNP rs550298199, ClinGen allele CA1375668.